The following is an entry in ClinVar:

ClinVar aggregate classification (germline): Uncertain significance. Review status: criteria provided, single submitter (1 of 4 stars). 2 submissions from 2 submitters: Uncertain significance (1). 1 of the submissions does not count toward it. Last evaluated 2025-08-21.

Conditions:
CACNA1I-related disorder. Also called: CACNA1I-related condition.

Allele frequency attached by ClinVar (database versions not stated): TOPMed 0.00006; gnomAD 0.00013; 1000 Genomes Project 30x 0.00031; 1000 Genomes Project 0.00040.
gnomAD v4.1: 361 of 1,550,626 alleles (0.023%); highest among the groups gnomAD compares: South Asian, 0.33%; 3 homozygotes.

Submissions (2):

Ambry Genetics
Classification: Uncertain significance. Last evaluated: 2025-08-21. Review status: criteria provided, single submitter. Criteria: Ambry Variant Classification Scheme 2023. Collection method: clinical testing. Allele origin: germline.

PreventionGenetics, part of Exact Sciences
Classification: Likely benign for CACNA1I-related condition. Last evaluated: 2022-04-06. Review status: no assertion criteria provided. Collection method: clinical testing. Allele origin: germline. Not counted in ClinVar's aggregate classification.
Comment: This variant is classified as likely benign based on ACMG/AMP sequence variant interpretation guidelines (Richards et al. 2015 PMID: 25741868, with internal and published modifications).

NM_021096.4(CACNA1I):c.1630G>A (p.Ala544Thr)

Gene: CACNA1I (calcium voltage-gated channel subunit alpha1 I; plus strand). Cytogenetic location: 22q13.1.
Variant type: single nucleotide variant.
Coding change: c.1630G>A on transcript NM_021096.4 (MANE Select); coding-DNA position 1630, G replaced by A.
Protein change: p.Ala544Thr; replaces alanine 544 with threonine.
Molecular consequence: missense variant.
Genome position (GRCh38, 1-based): chr22:39,649,563, G>A. VCF-style: chr22-39649563-G-A. GRCh37 (hg19) VCF-style: chr22-40045568-G-A.
Other names: c.1525G>A, p.Ala509Thr (NM_001003406.2); short protein forms A509T, A544T.
Identifiers: ClinVar variation 3034398 (VCV003034398.3), dbSNP rs538823777, ClinGen allele CA10243904.